The following is an entry in ClinVar:

NM_015103.3(PLXND1):c.2024A>G (p.Asn675Ser)

Gene: PLXND1 (plexin D1; minus strand). Cytogenetic location: 3q22.1.
Variant type: single nucleotide variant.
Coding change: c.2024A>G on transcript NM_015103.3 (MANE Select); coding-DNA position 2024, A replaced by G.
Protein change: p.Asn675Ser; replaces asparagine 675 with serine.
Molecular consequence: missense variant.
Genome position (GRCh38, 1-based): chr3:129,584,390, T>C on the plus strand (A>G on the coding strand, the complement: PLXND1 is on the minus strand). VCF-style: chr3-129584390-T-C. GRCh37 (hg19) VCF-style: chr3-129303233-T-C.
Other names: short protein forms N675S.
Identifiers: ClinVar variation 2353327 (VCV002353327.6), dbSNP rs757329564, ClinGen allele CA2609178.

ClinVar aggregate classification (germline): Uncertain significance. Review status: criteria provided, multiple submitters, no conflicts (2 of 4 stars). 3 submissions from 3 submitters: Uncertain significance (3). Last evaluated 2026-03-13.

Allele frequency attached by ClinVar (database versions not stated): gnomAD 0.00013; TOPMed 0.00013.
gnomAD v4.1: 56 of 1,611,656 alleles (0.0035%); highest among the groups gnomAD compares: African/African-American, 0.04%; no homozygotes.

Submissions (3):

GeneDx
Classification: Uncertain significance. Last evaluated: 2026-03-13. Review status: criteria provided, single submitter. Criteria: GeneDx Variant Classification Process June 2021. Collection method: clinical testing. Allele origin: germline.
Comment: In silico analysis suggests that this missense variant does not alter protein structure/function; Has not been previously published as pathogenic or benign in association with a PLXND1-related disorder to our knowledge; This variant is associated with the following publications: (PMID: 35999217)

Dasa
Classification: Uncertain significance. Last evaluated: 2025-11-22. Review status: criteria provided, single submitter. Criteria: DASA Assertion Criteria. Collection method: clinical testing. Allele origin: germline.
Comment: NM_015103.3(PLXND1):c.2024A>G (p.Asn675Ser) is a missense variant that results in the substitution of asparagine with serine. This variant is rare in population databases. Computational prediction algorithms are consistent with a benign effect. The currently available literature and clinical evidence are not sufficient to establish a definitive association between this variant and the reported condition. Therefore, this variant is classified as a variant of uncertain significance.

Ambry Genetics
Classification: Uncertain significance. Last evaluated: 2025-02-15. Review status: criteria provided, single submitter. Criteria: Ambry Variant Classification Scheme 2023. Collection method: clinical testing. Allele origin: germline.